The following is an entry in ClinVar:

NM_000257.4(MYH7):c.3781A>C (p.Ser1261Arg)

Gene: MYH7 (myosin heavy chain 7; minus strand). Cytogenetic location: 14q11.2.
Variant type: single nucleotide variant.
Coding change: c.3781A>C on transcript NM_000257.4 (MANE Select); coding-DNA position 3781, A replaced by C.
Protein change: p.Ser1261Arg; replaces serine 1261 with arginine.
Molecular consequence: missense variant.
Genome position (GRCh38, 1-based): chr14:23,419,555, T>G on the plus strand (A>C on the coding strand, the complement: MYH7 is on the minus strand). VCF-style: chr14-23419555-T-G. GRCh37 (hg19) VCF-style: chr14-23888764-T-G.
Other names: c.3781A>C (LRG_384t1); short protein forms S1261R.
Identifiers: ClinVar variation 36639 (VCV000036639.17), dbSNP rs193922389, ClinGen allele CA014093.

ClinVar aggregate classification (germline): Uncertain significance. Review status: criteria provided, multiple submitters, no conflicts (2 of 4 stars). 4 submissions from 4 submitters: Uncertain significance (4). Last evaluated 2025-05-28.

Conditions:
Cardiomyopathy (CMYO). Also called: Cardiomyopathies. Identifiers: Orphanet 167848, MedGen C0878544, MONDO:0004994, HP:0001638. Inheritance: Various modes of inheritance.
Hypertrophic cardiomyopathy. Also called: HYPERTROPHIC MYOCARDIOPATHY. Identifiers: Orphanet 217569, MedGen C0007194, MeSH D002312, MONDO:0005045, HP:0001639.

Allele frequency attached by ClinVar (database versions not stated): gnomAD exomes below 0.00001; TOPMed 0.00001; gnomAD 0.00001.

Submissions (4):

Labcorp Genetics (formerly Invitae), Labcorp
Classification: Uncertain significance for Hypertrophic cardiomyopathy. Last evaluated: 2025-05-28. Review status: criteria provided, single submitter. Criteria: Invitae Variant Classification Sherloc (09022015). Collection method: clinical testing. Allele origin: germline.
Comment: This sequence change replaces serine, which is neutral and polar, with arginine, which is basic and polar, at codon 1261 of the MYH7 protein (p.Ser1261Arg). This variant is not present in population databases (gnomAD no frequency). This variant has not been reported in the literature in individuals affected with MYH7-related conditions. ClinVar contains an entry for this variant (Variation ID: 36639). Invitae Evidence Modeling of protein sequence and biophysical properties (such as structural, functional, and spatial information, amino acid conservation, physicochemical variation, residue mobility, and thermodynamic stability) indicates that this missense variant is not expected to disrupt MYH7 protein function with a negative predictive value of 95%. In summary, the available evidence is currently insufficient to determine the role of this variant in disease. Therefore, it has been classified as a Variant of Uncertain Significance.

All of Us Research Program, National Institutes of Health
Classification: Uncertain significance for Cardiomyopathy. Last evaluated: 2023-12-13. Review status: criteria provided, single submitter. Criteria: ACMG Guidelines, 2015. Collection method: clinical testing. Allele origin: germline. Inheritance: Autosomal dominant inheritance. Observed: 1 variant allele, 1 heterozygote.
Comment: This missense variant replaces serine with arginine at codon 1261 of the MYH7 protein. Computational prediction suggests that this variant may not impact protein structure and function. To our knowledge, functional studies have not been reported for this variant. This variant has not been reported in individuals affected with MYH7-related disorders in the literature. This variant has not been identified in the general population by the Genome Aggregation Database (gnomAD). The available evidence is insufficient to determine the role of this variant in disease conclusively. Therefore, this variant is classified as a Variant of Uncertain Significance.

This study involves interpretation of variants in research participants for the purpose of population health screening. Participant phenotype was not available at the time of variant classification. Additional details can be found in publication PMID: 35346344, PMCID: PMC8962531

Color Diagnostics, LLC DBA Color Health
Classification: Uncertain significance for Cardiomyopathy. Last evaluated: 2023-11-15. Review status: criteria provided, single submitter. Criteria: ACMG Guidelines, 2015. Collection method: clinical testing. Allele origin: germline.
Comment: This missense variant replaces serine with arginine at codon 1261 of the MYH7 protein. Computational prediction suggests that this variant may not impact protein structure and function. To our knowledge, functional studies have not been reported for this variant. This variant has not been reported in individuals affected with MYH7-related disorders in the literature. This variant has not been identified in the general population by the Genome Aggregation Database (gnomAD). The available evidence is insufficient to determine the role of this variant in disease conclusively. Therefore, this variant is classified as a Variant of Uncertain Significance.

Women's Health and Genetics/Laboratory Corporation of America, LabCorp
Classification: Uncertain significance. Last evaluated: 2016-06-01. Review status: criteria provided, single submitter. Criteria: LabCorp Variant Classification Summary - May 2015. Collection method: clinical testing. Allele origin: germline.
Comment: Variant summary: The MYH7 c.3781A>C (p.Ser1261Arg) variant causes a missense change involving a non-conserved nucleotide with 3/4 in silico tools (Mutation Taster not captured here due to low p-value) predicting a "deleterious" outcome, although these predictions have yet to be functionally assessed. The variant of interest has not been observed in controls (ExAC, 1000 Gs or ESP), nor has it been, to our knowledge, reported in affected individuals via publications and/or databases. Other missense changes around this codon such as p.R1277Q, p.L1273P, p.A1263E have been reported in HCM patients (ref. HGMD), indicating that the region may be functionally important. Taken together, this variant has currently been classified as a "Variant of Uncertain Significance (VUS)," until additional information becomes available.